The following is an entry in ClinVar:

ClinVar aggregate classification (germline): Uncertain significance (1 of 4 stars; one submission).

gnomAD v4.1: 2 of 1,613,044 alleles (0.00012%); no homozygotes.

Submission:

Labcorp Genetics (formerly Invitae), Labcorp
Classification: Uncertain significance. Last evaluated: 2023-10-04. Review status: criteria provided, single submitter. Criteria: Invitae Variant Classification Sherloc (09022015). Collection method: clinical testing. Allele origin: germline.
Comment: This sequence change replaces glycine, which is neutral and non-polar, with alanine, which is neutral and non-polar, at codon 816 of the SLC12A2 protein (p.Gly816Ala). This variant is not present in population databases (gnomAD no frequency). This variant has not been reported in the literature in individuals affected with SLC12A2-related conditions. Advanced modeling of protein sequence and biophysical properties (such as structural, functional, and spatial information, amino acid conservation, physicochemical variation, residue mobility, and thermodynamic stability) performed at Invitae indicates that this missense variant is not expected to disrupt SLC12A2 protein function. In summary, the available evidence is currently insufficient to determine the role of this variant in disease. Therefore, it has been classified as a Variant of Uncertain Significance.

NM_001046.3(SLC12A2):c.2447G>C (p.Gly816Ala)

Gene: SLC12A2 (solute carrier family 12 member 2; plus strand). Cytogenetic location: 5q23.3.
Variant type: single nucleotide variant.
Coding change: c.2447G>C on transcript NM_001046.3 (MANE Select); coding-DNA position 2447, G replaced by C.
Protein change: p.Gly816Ala; replaces glycine 816 with alanine.
Molecular consequence: missense variant. On other transcripts: non-coding transcript variant (1).
Genome position (GRCh38, 1-based): chr5:128,158,136, G>C. VCF-style: chr5-128158136-G-C. GRCh37 (hg19) VCF-style: chr5-127493828-G-C.
Other names: c.2447G>C, p.Gly816Ala (NM_001256461.2); short protein forms G816A.
Identifiers: ClinVar variation 2867373 (VCV002867373.3), dbSNP rs2479429638, ClinGen allele CA360750776.